The following is an entry in ClinVar:

ClinVar aggregate classification (germline): Uncertain significance (1 of 4 stars; one submission).

Submission:

Labcorp Genetics (formerly Invitae), Labcorp
Classification: Uncertain significance. Last evaluated: 2021-04-28. Review status: criteria provided, single submitter. Criteria: Invitae Variant Classification Sherloc (09022015). Collection method: clinical testing. Allele origin: germline.
Comment: This variant is not present in population databases (ExAC no frequency). In summary, the available evidence is currently insufficient to determine the role of this variant in disease. Therefore, it has been classified as a Variant of Uncertain Significance. This variant has not been reported in the literature in individuals with EYS-related conditions. This sequence change replaces cysteine with arginine at codon 270 of the EYS protein (p.Cys270Arg). The cysteine residue is highly conserved and there is a large physicochemical difference between cysteine and arginine. Algorithms developed to predict the effect of missense changes on protein structure and function are either unavailable or do not agree on the potential impact of this missense change (SIFT: "Deleterious"; PolyPhen-2: "Benign"; Align-GVGD: "Class C0").

NM_001142800.2(EYS):c.808T>C (p.Cys270Arg)

Gene: EYS (EGF-like photoreceptor maintenance factor; minus strand). Cytogenetic location: 6q12.
Variant type: single nucleotide variant.
Coding change: c.808T>C on transcript NM_001142800.2 (MANE Select); coding-DNA position 808, T replaced by C.
Protein change: p.Cys270Arg; replaces cysteine 270 with arginine.
Molecular consequence: missense variant.
Genome position (GRCh38, 1-based): chr6:65,490,648, A>G on the plus strand (T>C on the coding strand, the complement: EYS is on the minus strand). VCF-style: chr6-65490648-A-G. GRCh37 (hg19) VCF-style: chr6-66200541-A-G.
Other names: c.808T>C, p.Cys270Arg (NM_001142801.2, NM_001292009.2, NM_198283.2); short protein forms C270R.
Identifiers: ClinVar variation 1516126 (VCV001516126.8), dbSNP rs2127266453, ClinGen allele CA364789073.